The following is an entry in ClinVar:

NM_015272.5(RPGRIP1L):c.2216T>G (p.Met739Arg)

Gene: RPGRIP1L (RPGRIP1 like; minus strand). Cytogenetic location: 16q12.2.
Variant type: single nucleotide variant.
Coding change: c.2216T>G on transcript NM_015272.5 (MANE Select); coding-DNA position 2216, T replaced by G.
Protein change: p.Met739Arg; replaces methionine 739 with arginine.
Molecular consequence: missense variant.
Genome position (GRCh38, 1-based): chr16:53,649,052, A>C on the plus strand (T>G on the coding strand, the complement: RPGRIP1L is on the minus strand). VCF-style: chr16-53649052-A-C. GRCh37 (hg19) VCF-style: chr16-53682964-A-C.
Other names: c.2216T>G, p.Met739Arg (NM_001127897.4, NM_001308334.3, NM_001330538.2); short protein forms M739R.
Identifiers: ClinVar variation 4998786 (VCV004998786.1).

ClinVar aggregate classification (germline): Uncertain significance (1 of 4 stars; one submission).

Conditions:
RPGRIP1L-related disorder. Also called: RPGRIP1L-related disorders; RPGRIP1L-related condition. Identifiers: MedGen CN239416.

gnomAD v4.1: 1 of 1,614,024 alleles (0.000062%); highest among the groups gnomAD compares: Non-Finnish European, 0.000085%; no homozygotes.

Submission:

PreventionGenetics, part of Exact Sciences
Classification: Uncertain significance for RPGRIP1L-related condition. Last evaluated: 2024-12-06. Review status: criteria provided, single submitter. Criteria: ACMG Guidelines, 2015. Collection method: clinical testing. Allele origin: germline.
Comment: The RPGRIP1L c.2216T>G variant is predicted to result in the amino acid substitution p.Met739Arg. To our knowledge, this variant has not been reported in the literature or in a large population database (gnomAD), indicating this variant is rare. At this time, the clinical significance of this variant is uncertain due to the absence of conclusive functional and genetic evidence.